The following is an entry in ClinVar:

ClinVar aggregate classification (germline): Uncertain significance. Review status: criteria provided, single submitter (1 of 4 stars). 2 submissions from 1 submitter: Uncertain significance (2). Last evaluated 2020-09-16.

Conditions:
Immunodeficiency 39 (IMD39). Identifiers: Orphanet 574918, MedGen C4225358, MONDO:0014597, OMIM 616345.
TH-deficient dopa-responsive dystonia. Also called: DYT-TH; Tyrosine Hydroxylase-Deficient Dopa-Responsive Dystonia; Segawa syndrome, autosomal recessive. Identifiers: Orphanet 101150, MedGen C2673535, MONDO:0011551, OMIM 605407.

Submissions (2):

Labcorp Genetics (formerly Invitae), Labcorp
Classification: Uncertain significance for TH-deficient dopa-responsive dystonia. Last evaluated: 2020-09-16. Review status: criteria provided, single submitter. Criteria: Invitae Variant Classification Sherloc (09022015). Collection method: clinical testing. Allele origin: germline.
Comment: This variant results in a copy number gain of the genomic region encompassing the full coding sequence of the TH gene. The boundaries of this event are unknown as they extend beyond the assayed region for this gene and therefore may encompass additional genes. As the precise location of this event is unknown, it may be in tandem or it may be located elsewhere in the genome. This variant has not been reported in the literature in individuals with TH-related conditions. In summary, the available evidence is currently insufficient to determine the role of this variant in disease. Therefore, it has been classified as a Variant of Uncertain Significance.

Labcorp Genetics (formerly Invitae), Labcorp
Classification: Uncertain significance for Immunodeficiency 39. Last evaluated: 2019-05-06. Review status: criteria provided, single submitter. Criteria: Invitae Variant Classification Sherloc (09022015). Collection method: clinical testing. Allele origin: germline.
Comment: This variant results in a copy number gain of the genomic region encompassing the full coding sequence of the IRF7 gene. The boundaries of this event are unknown as they extend beyond the assayed region for this gene and therefore may encompass additional genes. As the precise location of this event is unknown, it may be in tandem or it may be located elsewhere in the genome. This variant has not been reported in the literature in individuals with IRF7-related conditions. In summary, the available evidence is currently insufficient to determine the role of this variant in disease. Therefore, it has been classified as a Variant of Uncertain Significance.

NC_000011.9:g.(?_612625)_(2193840_?)dup

Genes: DEAF1 (DEAF1 transcription factor; minus strand), SCT (secretin; minus strand), SLC25A22 (solute carrier family 25 member 22; minus strand), SYT8 (synaptotagmin 8; plus strand), TSPAN4 (tetraspanin 4; plus strand) and 42 more. Cytogenetic location: 11p15.5.
Variant type: Duplication.
Identifiers: ClinVar variation 1004798 (VCV001004798.1).